The following is an entry in ClinVar:

ClinVar aggregate classification (germline): Uncertain significance. Review status: criteria provided, multiple submitters, no conflicts (2 of 4 stars). 2 submissions from 2 submitters: Uncertain significance (2). Last evaluated 2025-05-17.

gnomAD v4.1: 31 of 1,361,758 alleles (0.0023%); highest among the groups gnomAD compares: Non-Finnish European, 0.0027%; no homozygotes.

Submissions (2):

Ambry Genetics
Classification: Uncertain significance. Last evaluated: 2025-05-17. Review status: criteria provided, single submitter. Criteria: Ambry Variant Classification Scheme 2023. Collection method: clinical testing. Allele origin: germline.

Labcorp Genetics (formerly Invitae), Labcorp
Classification: Uncertain significance. Last evaluated: 2023-08-11. Review status: criteria provided, single submitter. Criteria: Invitae Variant Classification Sherloc (09022015). Collection method: clinical testing. Allele origin: germline.
Comment: This variant has not been reported in the literature in individuals affected with IRF2BP2-related conditions. An algorithm developed to predict the effect of missense changes on protein structure and function (PolyPhen-2) suggests that this variant is likely to be tolerated. In summary, the available evidence is currently insufficient to determine the role of this variant in disease. Therefore, it has been classified as a Variant of Uncertain Significance. This variant is present in population databases (rs763965646, gnomAD 0.004%). This sequence change replaces asparagine, which is neutral and polar, with lysine, which is basic and polar, at codon 177 of the IRF2BP2 protein (p.Asn177Lys).

NM_182972.3(IRF2BP2):c.531C>G (p.Asn177Lys)

Gene: IRF2BP2 (interferon regulatory factor 2 binding protein 2; minus strand). Cytogenetic location: 1q42.3.
Variant type: single nucleotide variant.
Coding change: c.531C>G on transcript NM_182972.3 (MANE Select); coding-DNA position 531, C replaced by G.
Protein change: p.Asn177Lys; replaces asparagine 177 with lysine.
Molecular consequence: missense variant.
Genome position (GRCh38, 1-based): chr1:234,608,964, G>C on the plus strand (C>G on the coding strand, the complement: IRF2BP2 is on the minus strand). VCF-style: chr1-234608964-G-C. GRCh37 (hg19) VCF-style: chr1-234744710-G-C.
Other names: c.531C>G, p.Asn177Lys (NM_001077397.1); c.531C>G (NM_182972.2); short protein forms N177K.
Identifiers: ClinVar variation 3008957 (VCV003008957.4), dbSNP rs763965646, ClinGen allele CA1461826.
Genomic context (GRCh38, chr1:234,608,964, plus strand): 5'-CGTGGCCGAGCCGTTCATGAGCGGCACCAGGGTGGGCGGCACCGCGTGGCCGCGCCGCGG[G>C]TTCGGGCTCTGGCGATTCAGCTCGGGCGGCTCCTCTAGCTTGGAGAAGCCGTTGGGCACC-3'
Protein context (NP_892017.2, residues 167-187): EPPELNRQSP[Asn177Lys]PRRGHAVPPT